The following is an entry in ClinVar:

NM_144672.4(OTOA):c.1727T>C (p.Ile576Thr)

Gene: OTOA (otoancorin). Cytogenetic location: 16p12.2.
Variant type: single nucleotide variant.
Coding change: c.1727T>C on transcript NM_144672.4 (MANE Select); coding-DNA position 1727, T replaced by C.
Protein change: p.Ile576Thr; replaces isoleucine 576 with threonine.
Molecular consequence: missense variant.
Genome position (GRCh38, 1-based): chr16:21,719,425, T>C. VCF-style: chr16-21719425-T-C. GRCh37 (hg19) VCF-style: chr16-21730746-T-C.
Other names: c.1490T>C, p.Ile497Thr (NM_001161683.2); c.755T>C, p.Ile252Thr (NM_170664.3); short protein forms I576T, I252T, I497T.
Identifiers: ClinVar variation 521781 (VCV000521781.35), dbSNP rs755291566, ClinGen allele CA7952752.

ClinVar aggregate classification (germline): Conflicting classifications of pathogenicity. Review status: criteria provided, conflicting classifications (1 of 4 stars). 5 submissions from 5 submitters: Pathogenic (1); Uncertain significance (4). Last evaluated 2026-08-03.

Conditions:
Monogenic hearing loss.
OTOA-related disorder. Also called: OTOA-related condition.
Inborn genetic diseases. Identifiers: MedGen C0950123, MeSH D030342.
Autosomal recessive nonsyndromic hearing loss 22. Identifiers: Orphanet 90636, MedGen C1846896, MONDO:0011762, OMIM 607039.

Allele frequency attached by ClinVar (database versions not stated): gnomAD below 0.00001 and 0.00001; TOPMed 0.00001; gnomAD exomes 0.00002 and 0.00004; ExAC 0.00003.
gnomAD v4.1: 32 of 1,614,092 alleles (0.002%); highest among the groups gnomAD compares: South Asian, 0.031%; no homozygotes.

Submissions (5):

PreventionGenetics, part of Exact Sciences
Classification: Uncertain significance for OTOA-related condition. Last evaluated: 2026-08-03. Review status: criteria provided, single submitter. Criteria: ACMG Guidelines, 2015. Collection method: clinical testing. Allele origin: germline.
Comment: The OTOA c.1727T>C variant is predicted to result in the amino acid substitution p.Ile576Thr. This variant was reported in the homozygous state in two patients with hearing loss (Table S2, Abolhassani et al. 2024. PubMed ID: 38374194). This variant is reported in 0.029% of alleles in individuals of South Asian descent in gnomAD. An alternate substitution at the same amino acid position (p.Ile576Met) was reported in trans to an OTOA whole gene deletion in an individual with hearing loss (as p.Ile497Met in Table S3, Sloan-Heggen et al. 2016. PubMed ID: 26969326) as well as two additional apparently unrelated individuals with hearing loss (Internal data, PreventionGenetics). Although we suspect that this variant may be pathogenic, at this time, the clinical significance of this variant is uncertain due to the absence of conclusive functional and genetic evidence.

Genetics Laboratory, Great Ormond Street Hospital NHS Foundation Trust, North Thames Genomic Laboratory Hub
Classification: Pathogenic for Monogenic hearing loss. Last evaluated: 2026-03-24. Review status: criteria provided, single submitter. Criteria: ACGS Best Practice Guidelines for Variant Classification in Rare Disease 2024 v1.2. Collection method: clinical testing. Allele origin: germline. Affected: yes.
Comment: PM2_supporting, PP3_supporting, PM3_very-strong

Labcorp Genetics (formerly Invitae), Labcorp
Classification: Uncertain significance. Last evaluated: 2022-03-22. Review status: criteria provided, single submitter. Criteria: Invitae Variant Classification Sherloc (09022015). Collection method: clinical testing. Allele origin: germline.
Comment: This sequence change replaces isoleucine, which is neutral and non-polar, with threonine, which is neutral and polar, at codon 576 of the OTOA protein (p.Ile576Thr). This variant is present in population databases (rs755291566, gnomAD 0.03%). This variant has not been reported in the literature in individuals affected with OTOA-related conditions. ClinVar contains an entry for this variant (Variation ID: 521781). Algorithms developed to predict the effect of missense changes on protein structure and function (SIFT, PolyPhen-2, Align-GVGD) all suggest that this variant is likely to be disruptive. In summary, the available evidence is currently insufficient to determine the role of this variant in disease. Therefore, it has been classified as a Variant of Uncertain Significance.

Ambry Genetics
Classification: Uncertain significance for Inborn genetic diseases. Last evaluated: 2017-05-26. Review status: criteria provided, single submitter. Criteria: Ambry exome assertion method (8-5-2015). Collection method: clinical testing. Allele origin: germline. Affected: yes. Observed: 1 variant allele.

Neuberg Centre For Genomic Medicine, NCGM
Classification: Uncertain significance for Autosomal recessive nonsyndromic hearing loss 22. Review status: criteria provided, single submitter. Criteria: ACMG Guidelines, 2015. Collection method: clinical testing. Allele origin: germline. Inheritance: Autosomal dominant inheritance. Affected: yes.

Literature cited by the submitters: PubMed 26969326 (cited by Ambry Genetics).